The following is an entry in ClinVar:

NM_139027.6(ADAMTS13):c.3515G>A (p.Arg1172His)

Gene: ADAMTS13 (ADAM metallopeptidase with thrombospondin type 1 motif 13; plus strand). Cytogenetic location: 9q34.2.
Variant type: single nucleotide variant.
Coding change: c.3515G>A on transcript NM_139027.6 (MANE Select); coding-DNA position 3515, G replaced by A.
Protein change: p.Arg1172His; replaces arginine 1172 with histidine.
Molecular consequence: missense variant. On other transcripts: non-coding transcript variant (1).
Genome position (GRCh38, 1-based): chr9:133,456,183, G>A. VCF-style: chr9-133456183-G-A. GRCh37 (hg19) VCF-style: chr9-136321305-G-A.
Other names: c.3683G>A, p.Arg1228His (NM_139025.5); c.3422G>A, p.Arg1141His (NM_139026.6); short protein forms R1141H, R1228H, R1172H.
Identifiers: ClinVar variation 3660691 (VCV003660691.1).

ClinVar aggregate classification (germline): Uncertain significance (1 of 4 stars; one submission).

gnomAD v4.1: 32 of 1,613,468 alleles (0.002%); highest among the groups gnomAD compares: Admixed American, 0.01%; no homozygotes.

Submission:

Labcorp Genetics (formerly Invitae), Labcorp
Classification: Uncertain significance. Last evaluated: 2024-06-13. Review status: criteria provided, single submitter. Criteria: Invitae Variant Classification Sherloc (09022015). Collection method: clinical testing. Allele origin: germline.
Comment: This sequence change replaces arginine, which is basic and polar, with histidine, which is basic and polar, at codon 1228 of the ADAMTS13 protein (p.Arg1228His). This variant is present in population databases (rs781945456, gnomAD 0.01%). This variant has not been reported in the literature in individuals affected with ADAMTS13-related conditions. Algorithms developed to predict the effect of missense changes on protein structure and function output the following: SIFT: "Not Available"; PolyPhen-2: "Benign"; Align-GVGD: "Not Available". The histidine amino acid residue is found in multiple mammalian species, which suggests that this missense change does not adversely affect protein function. In summary, the available evidence is currently insufficient to determine the role of this variant in disease. Therefore, it has been classified as a Variant of Uncertain Significance.